The following is an entry in ClinVar:

ClinVar aggregate classification (germline): Benign/Likely benign. Review status: criteria provided, single submitter (1 of 4 stars). 2 submissions from 1 submitter: Benign (1); Likely benign (1). Last evaluated 2018-01-13.

Conditions:
Hypothyroidism due to TSH receptor mutations. Also called: HYPOTHYROIDISM DUE TO UNRESPONSIVENESS TO THYROTROPIN; HYPOTHYROIDISM, CONGENITAL, DUE TO TSH RESISTANCE; HYPOTHYROIDISM, NONAUTOIMMUNE; THYROID-STIMULATING HORMONE, RESISTANCE TO; TSH RESISTANCE; Hypothyroidism, congenital, nongoitrous, 1. Identifiers: Orphanet 90673, MedGen C3493776, MONDO:0010142, OMIM 275200.
Familial hyperthyroidism due to mutations in TSH receptor. Also called: HYPERTHYROIDISM, CONGENITAL NONAUTOIMMUNE; HYPERTHYROIDISM, NONAUTOIMMUNE, AUTOSOMAL DOMINANT; TOXIC THYROID HYPERPLASIA, AUTOSOMAL DOMINANT. Identifiers: Orphanet 424, MedGen C1836706, MONDO:0012203, OMIM 609152.

Allele frequency attached by ClinVar (database versions not stated): gnomAD exomes 0.00164 and 0.00416; ExAC 0.00503; 1000 Genomes Project 0.01597; gnomAD 0.01604 and 0.01748; 1000 Genomes Project 30x 0.01718; TOPMed 0.01840; ESP Exome Variant Server 0.01861.

Submissions (2):

Illumina Laboratory Services, Illumina
Classification: Likely benign for Hypothyroidism due to TSH receptor mutations. Last evaluated: 2018-01-13. Review status: criteria provided, single submitter. Criteria: ICSL Variant Classification Criteria 13 December 2019. Collection method: clinical testing. Allele origin: germline.
Comment: This variant was observed in the ICSL laboratory as part of a predisposition screen in an ostensibly healthy population. It had not been previously curated by ICSL or reported in the Human Gene Mutation Database (HGMD: prior to June 1st, 2018), and was therefore a candidate for classification through an automated scoring system. Utilizing variant allele frequency, disease prevalence and penetrance estimates, and inheritance mode, an automated score was calculated to assess if this variant is too frequent to cause the disease. Based on the score and internal cut-off values, a variant classified as likely benign is not then subjected to further curation. The score for this variant resulted in a classification of likely benign for this disease.

Illumina Laboratory Services, Illumina
Classification: Benign for Familial hyperthyroidism due to mutations in TSH receptor. Last evaluated: 2018-01-13. Review status: criteria provided, single submitter. Criteria: ICSL Variant Classification Criteria 13 December 2019. Collection method: clinical testing. Allele origin: germline.
Comment: This variant was observed in the ICSL laboratory as part of a predisposition screen in an ostensibly healthy population. It had not been previously curated by ICSL or reported in the Human Gene Mutation Database (HGMD: prior to June 1st, 2018), and was therefore a candidate for classification through an automated scoring system. Utilizing variant allele frequency, disease prevalence and penetrance estimates, and inheritance mode, an automated score was calculated to assess if this variant is too frequent to cause the disease. Based on the score and internal cut-off values, a variant classified as benign is not then subjected to further curation. The score for this variant resulted in a classification of benign for this disease.

NM_000369.5(TSHR):c.*18C>A

Genes: TSHR (thyroid stimulating hormone receptor; plus strand), TSHR-AS1 (TSHR antisense RNA 1; minus strand). Cytogenetic location: 14q31.1.
Variant type: single nucleotide variant.
Coding change: c.*18C>A on transcript NM_000369.5 (MANE Select); 18 bases downstream of the stop codon, C replaced by A.
Molecular consequence: 3 prime UTR variant.
Genome position (GRCh38, 1-based): chr14:81,144,371, C>A. VCF-style: chr14-81144371-C-A. GRCh37 (hg19) VCF-style: chr14-81610715-C-A.
Identifiers: ClinVar variation 314699 (VCV000314699.5), dbSNP rs77789619, ClinGen allele CA7294624.